The following is an entry in ClinVar:

ClinVar aggregate classification (germline): Uncertain significance (1 of 4 stars; one submission).

Submission:

GeneDx
Classification: Uncertain significance. Last evaluated: 2019-05-13. Review status: criteria provided, single submitter. Criteria: GeneDx Variant Classification Process June 2021. Collection method: clinical testing. Allele origin: germline. Affected: yes.
Comment: Not observed in large population cohorts (Lek et al., 2016); In silico analysis, which includes protein predictors and evolutionary conservation, supports a deleterious effect; Has not been previously published as pathogenic or benign to our knowledge

NM_006767.4(LZTR1):c.1168T>G (p.Phe390Val)

Gene: LZTR1 (leucine zipper like post translational regulator 1; plus strand). Cytogenetic location: 22q11.21.
Variant type: single nucleotide variant.
Coding change: c.1168T>G on transcript NM_006767.4 (MANE Select); coding-DNA position 1168, T replaced by G.
Protein change: p.Phe390Val; replaces phenylalanine 390 with valine.
Molecular consequence: missense variant.
Genome position (GRCh38, 1-based): chr22:20,992,812, T>G. VCF-style: chr22-20992812-T-G. GRCh37 (hg19) VCF-style: chr22-21347101-T-G.
Other names: short protein forms F390V.
Identifiers: ClinVar variation 1305888 (VCV001305888.2), dbSNP rs1924653033, ClinGen allele CA410773668.